The following is an entry in ClinVar:

NM_018180.3(DHX32):c.104G>T (p.Cys35Phe)

Gene: DHX32 (DEAH-box helicase 32 (putative); minus strand). Cytogenetic location: 10q26.2.
Variant type: single nucleotide variant.
Coding change: c.104G>T on transcript NM_018180.3 (MANE Select); coding-DNA position 104, G replaced by T.
Protein change: p.Cys35Phe; replaces cysteine 35 with phenylalanine.
Molecular consequence: missense variant.
Genome position (GRCh38, 1-based): chr10:125,880,721, C>A on the plus strand (G>T on the coding strand, the complement: DHX32 is on the minus strand). VCF-style: chr10-125880721-C-A. GRCh37 (hg19) VCF-style: chr10-127569290-C-A.
Other names: short protein forms C35F.
Identifiers: ClinVar variation 2874718 (VCV002874718.3), dbSNP rs1180740558, ClinGen allele CA378669189.

ClinVar aggregate classification (germline): Uncertain significance (1 of 4 stars; one submission).

gnomAD v4.1: 4 of 1,614,212 alleles (0.00025%); highest among the groups gnomAD compares: Middle Eastern, 0.033%; no homozygotes.

Submission:

Labcorp Genetics (formerly Invitae), Labcorp
Classification: Uncertain significance. Last evaluated: 2025-03-27. Review status: criteria provided, single submitter. Criteria: Invitae Variant Classification Sherloc (09022015). Collection method: clinical testing. Allele origin: germline.
Comment: This sequence change replaces cysteine, which is neutral and slightly polar, with phenylalanine, which is neutral and non-polar, at codon 35 of the DHX32 protein (p.Cys35Phe). This variant is present in population databases (no rsID available, gnomAD 0.0009%). This variant has not been reported in the literature in individuals affected with DHX32-related conditions. ClinVar contains an entry for this variant (Variation ID: 2874718). An algorithm developed to predict the effect of missense changes on protein structure and function (PolyPhen-2) suggests that this variant is likely to be disruptive. In summary, the available evidence is currently insufficient to determine the role of this variant in disease. Therefore, it has been classified as a Variant of Uncertain Significance.